The following is an entry in ClinVar:

ClinVar aggregate classification (germline): Benign/Likely benign. Review status: criteria provided, multiple submitters, no conflicts (2 of 4 stars). 2 submissions from 2 submitters: Benign (1); Likely benign (1). Last evaluated 2025-06-01.

Submissions (2):

CeGaT Center for Human Genetics Tuebingen
Classification: Benign. Last evaluated: 2025-06-01. Review status: criteria provided, single submitter. Criteria: CeGaT Center For Human Genetics Tuebingen Variant Classification Criteria Version 2. Collection method: clinical testing. Allele origin: germline. Affected: yes. Observed: 6 variant alleles.
Comment: DSPP: BS1, BS2

Blueprint Genetics
Classification: Likely benign. Last evaluated: 2024-11-22. Review status: criteria provided, single submitter. Criteria: ACMG Guidelines, 2015. Collection method: clinical testing. Allele origin: germline.

NM_014208.3(DSPP):c.3336_3344del (p.1095DSS[8])

Genes: DMP1-AS1 (DMP1 and DSPP antisense RNA 1; minus strand), DSPP (dentin sialophosphoprotein; plus strand). Cytogenetic location: 4q22.1.
Variant type: Deletion.
Coding change: c.3336_3344del on transcript NM_014208.3 (MANE Select); coding-DNA positions 3336 to 3344, 9 bases deleted (CGATAGCAG; older notation c.3336_3344delCGATAGCAG).
Protein change: p.1095DSS[8].
Molecular consequence: inframe deletion.
Genome position (GRCh38, 1-based): chr4:87,615,998-87,616,006, CGATAGCAG deleted; deleting any 9 consecutive bases within chr4:87,615,993-87,616,006 gives the same sequence; the c. name uses the placement nearest the transcript's 3' end. VCF-style (leftmost placement, unchanged base first): chr4-87615992-CAGCAGCGAT-C. GRCh37 (hg19) VCF-style: chr4-88537144-CAGCAGCGAT-C.
Identifiers: ClinVar variation 1879609 (VCV001879609.30), dbSNP rs780784490, ClinGen allele CA3001598.